The following is an entry in ClinVar:

ClinVar aggregate classification (germline): Uncertain significance. Review status: criteria provided, multiple submitters, no conflicts (2 of 4 stars). 2 submissions from 2 submitters: Uncertain significance (2). Last evaluated 2024-02-29.

Conditions:
Neuroblastoma, susceptibility to, 3. Also called: ALK-Related Neuroblastic Tumor Susceptibility. Identifiers: Orphanet 635, MedGen C2751681, MONDO:0013083, OMIM 613014.
Hereditary cancer-predisposing syndrome. Also called: Neoplastic Syndromes, Hereditary; Hereditary neoplastic syndrome; Hereditary Cancer Syndrome; Tumor predisposition. Identifiers: Orphanet 140162, MedGen C0027672, MeSH D009386, MONDO:0015356.

Allele frequency attached by ClinVar (database versions not stated): gnomAD exomes below 0.00001; ExAC 0.00001.
gnomAD v4.1: 2 of 1,614,156 alleles (0.00012%); highest among the groups gnomAD compares: Admixed American, 0.0017%; no homozygotes.

Submissions (2):

Ambry Genetics
Classification: Uncertain significance for Hereditary cancer-predisposing syndrome. Last evaluated: 2024-02-29. Review status: criteria provided, single submitter. Criteria: Ambry Variant Classification Scheme 2023. Collection method: clinical testing. Allele origin: germline.
Comment: The p.G1261S variant (also known as c.3781G>A), located in coding exon 25 of the ALK gene, results from a G to A substitution at nucleotide position 3781. The glycine at codon 1261 is replaced by serine, an amino acid with similar properties. This amino acid position is conserved. In addition, the in silico prediction for this alteration is inconclusive. Based on the available evidence, the clinical significance of this alteration remains unclear.

Labcorp Genetics (formerly Invitae), Labcorp
Classification: Uncertain significance for Neuroblastoma, susceptibility to, 3. Last evaluated: 2020-06-10. Review status: criteria provided, single submitter. Criteria: Invitae Variant Classification Sherloc (09022015). Collection method: clinical testing. Allele origin: germline.
Comment: This sequence change replaces glycine with serine at codon 1261 of the ALK protein (p.Gly1261Ser). The glycine residue is highly conserved and there is a small physicochemical difference between glycine and serine. This variant is present in population databases (rs759144859, ExAC 0.009%). This variant has not been reported in the literature in individuals with ALK-related disease. Algorithms developed to predict the effect of missense changes on protein structure and function (SIFT, PolyPhen-2, Align-GVGD) all suggest that this variant is likely to be disruptive, but these predictions have not been confirmed by published functional studies and their clinical significance is uncertain. Algorithms developed to predict the effect of sequence changes on RNA splicing suggest that this variant may create or strengthen a splice site, but this prediction has not been confirmed by published transcriptional studies. In summary, the available evidence is currently insufficient to determine the role of this variant in disease. Therefore, it has been classified as a Variant of Uncertain Significance.

NM_004304.5(ALK):c.3781G>A (p.Gly1261Ser)

Gene: ALK (ALK receptor tyrosine kinase; minus strand). Cytogenetic location: 2p23.2.
Variant type: single nucleotide variant.
Coding change: c.3781G>A on transcript NM_004304.5 (MANE Select); coding-DNA position 3781, G replaced by A.
Protein change: p.Gly1261Ser; replaces glycine 1261 with serine.
Molecular consequence: missense variant.
Genome position (GRCh38, 1-based): chr2:29,209,841, C>T on the plus strand (G>A on the coding strand, the complement: ALK is on the minus strand). VCF-style: chr2-29209841-C-T. GRCh37 (hg19) VCF-style: chr2-29432707-C-T.
Other names: c.577G>A, p.Gly193Ser (NM_001353765.2); short protein forms G193S, G1261S.
Identifiers: ClinVar variation 655393 (VCV000655393.11), dbSNP rs759144859, ClinGen allele CA1593783.
Genomic context (GRCh38, chr2:29,209,841, plus strand): 5'-CTCACCTGTAGATGTCTCGGGCCATCCCGAAGTCTCCAATCTTGGCCACTCTTCCAGGGC[C>T]TGGACAGGTCAAGAGGCAGTTTCTGGCAGCAATGTCTCTGGGAAGAAAGGAAATGCATTT-3'
Protein context (NP_004295.2, residues 1251-1271): AARNCLLTCP[Gly1261Ser]PGRVAKIGDF